The following is an entry in ClinVar:

NM_004991.4(MECOM):c.1483T>C (p.Phe495Leu)

Gene: MECOM (MDS1 and EVI1 complex locus; minus strand). Cytogenetic location: 3q26.2.
Variant type: single nucleotide variant.
Coding change: c.1483T>C on transcript NM_004991.4 (MANE Select); coding-DNA position 1483, T replaced by C.
Protein change: p.Phe495Leu; replaces phenylalanine 495 with leucine.
Molecular consequence: missense variant. On other transcripts: intron variant (2).
Genome position (GRCh38, 1-based): chr3:169,116,389, A>G on the plus strand (T>C on the coding strand, the complement: MECOM is on the minus strand). VCF-style: chr3-169116389-A-G. GRCh37 (hg19) VCF-style: chr3-168834177-A-G.
Other names: c.919T>C, p.Phe307Leu (NM_001366471.2, NM_001366472.2, NM_005241.4 and 4 more transcripts); c.1133-622T>C (NM_001366473.2); c.569-622T>C (NM_001366474.2); c.1114T>C, p.Phe372Leu (NM_001105077.4); c.922T>C, p.Phe308Leu (NM_001163999.2, NM_001366467.2, NM_001366468.2 and 1 more transcripts); c.1483T>C, p.Phe495Leu (NM_001366466.2); short protein forms F307L, F308L, F495L, F372L.
Identifiers: ClinVar variation 5024109 (VCV005024109.1).
Genomic context (GRCh38, chr3:169,116,389, plus strand): 5'-GTCCTTTAACAGGAGAACTAGCAGGTATCAAAGGAGGCCTGTGGTACAAGCCGGAAGGAA[A>G]CAGACCAGGGAAGCTAAAAGAAAATCCAGGAGCTGTTGGAAAGGTAAGACCAGCAGGATG-3'
Protein context (NP_004982.2, residues 485-505): PGFSFSFPGL[Phe495Leu]PSGLYHRPPL

ClinVar aggregate classification (germline): Uncertain significance (1 of 4 stars; one submission).

Conditions:
Inborn genetic diseases. Identifiers: MedGen C0950123, MeSH D030342.

Submission:

Ambry Genetics
Classification: Uncertain significance for Inborn genetic diseases. Last evaluated: 2026-06-17. Review status: criteria provided, single submitter. Criteria: Ambry Variant Classification Scheme 2023. Collection method: clinical testing. Allele origin: germline.
Comment: The p.F495L variant (also known as c.1483T>C), located in coding exon 8 of the MECOM gene, results from a T to C substitution at nucleotide position 1483. The phenylalanine at codon 495 is replaced by leucine, an amino acid with highly similar properties. This amino acid position is conserved. In addition, the in silico prediction for this alteration is inconclusive. Based on the available evidence, the clinical significance of this variant remains unclear.